The following is an entry in ClinVar:

NM_004304.5(ALK):c.1301A>G (p.Lys434Arg)

Gene: ALK (ALK receptor tyrosine kinase; minus strand). Cytogenetic location: 2p23.2.
Variant type: single nucleotide variant.
Coding change: c.1301A>G on transcript NM_004304.5 (MANE Select); coding-DNA position 1301, A replaced by G.
Protein change: p.Lys434Arg; replaces lysine 434 with arginine.
Molecular consequence: missense variant.
Genome position (GRCh38, 1-based): chr2:29,328,463, T>C on the plus strand (A>G on the coding strand, the complement: ALK is on the minus strand). VCF-style: chr2-29328463-T-C. GRCh37 (hg19) VCF-style: chr2-29551329-T-C.
Other names: short protein forms K434R.
Identifiers: ClinVar variation 570882 (VCV000570882.10), dbSNP rs1558675795, ClinGen allele CA346474545.
Genomic context (GRCh38, chr2:29,328,463, plus strand): 5'-GCCTGCCCAAGCTGGAGGACTGTCCCATTCCAACAAGTGAAGGAGCTCTGCAGGGCCATC[T>C]TGGAGCCTGGGGATGTTCCTGGAGAGCACACAGACACACAACCATGGTAAGTTTGCATGG-3'
Protein context (NP_004295.2, residues 424-444): NCSEGTSPGS[Lys434Arg]MALQSSFTCW

ClinVar aggregate classification (germline): Uncertain significance. Review status: criteria provided, multiple submitters, no conflicts (2 of 4 stars). 3 submissions from 3 submitters: Uncertain significance (3). Last evaluated 2026-05-20.

Conditions:
Hereditary cancer-predisposing syndrome. Also called: Tumor predisposition; Hereditary Cancer Syndrome; Neoplastic Syndromes, Hereditary; Hereditary neoplastic syndrome. Identifiers: Orphanet 140162, MedGen C0027672, MeSH D009386, MONDO:0015356.
Neuroblastoma, susceptibility to, 3. Also called: ALK-Related Neuroblastic Tumor Susceptibility. Identifiers: Orphanet 635, MedGen C2751681, MONDO:0013083, OMIM 613014.

Allele frequency attached by ClinVar (database versions not stated): gnomAD exomes below 0.00001.
gnomAD v4.1: 1 of 1,614,164 alleles (0.000062%); highest among the groups gnomAD compares: Non-Finnish European, 0.000085%; no homozygotes.

Submissions (3):

Ambry Genetics
Classification: Uncertain significance for Hereditary cancer-predisposing syndrome. Last evaluated: 2026-05-20. Review status: criteria provided, single submitter. Criteria: Ambry Variant Classification Scheme 2023. Collection method: clinical testing. Allele origin: germline.
Comment: The p.K434R variant (also known as c.1301A>G), located in coding exon 6 of the ALK gene, results from an A to G substitution at nucleotide position 1301. The lysine at codon 434 is replaced by arginine, an amino acid with highly similar properties. This amino acid position is highly conserved in available vertebrate species. In addition, this alteration is predicted to be tolerated by in silico analysis. Based on the available evidence, the clinical significance of this variant remains unclear.

Labcorp Genetics (formerly Invitae), Labcorp
Classification: Uncertain significance for Neuroblastoma, susceptibility to, 3. Last evaluated: 2025-11-05. Review status: criteria provided, single submitter. Criteria: Invitae Variant Classification Sherloc (09022015). Collection method: clinical testing. Allele origin: germline.
Comment: This sequence change replaces lysine, which is basic and polar, with arginine, which is basic and polar, at codon 434 of the ALK protein (p.Lys434Arg). This variant is not present in population databases (gnomAD no frequency). This variant has not been reported in the literature in individuals affected with ALK-related conditions. ClinVar contains an entry for this variant (Variation ID: 570882). An algorithm developed to predict the effect of missense changes on protein structure and function (PolyPhen-2) suggests that this variant is likely to be disruptive. In summary, the available evidence is currently insufficient to determine the role of this variant in disease. Therefore, it has been classified as a Variant of Uncertain Significance.

Baylor Genetics
Classification: Uncertain significance for Neuroblastoma, susceptibility to, 3. Last evaluated: 2023-12-15. Review status: criteria provided, single submitter. Criteria: ACMG Guidelines, 2015. Collection method: clinical testing. Allele origin: unknown.